The following is an entry in ClinVar:

ClinVar aggregate classification (germline): Pathogenic (1 of 4 stars; one submission).

Submission:

GeneDx
Classification: Pathogenic. Last evaluated: 2018-01-24. Review status: criteria provided, single submitter. Criteria: GeneDx Variant Classification (06012015). Collection method: clinical testing. Allele origin: germline. Affected: yes.
Comment: The c.5389_5392dupATCT pathogenic variant in the TSC2 gene causes a frameshift starting with codon Serine 1798, changes this amino acid to a Tyrosine residue and is expected to extend the open reading frame to an unknown length, denoted p.Ser1798TyrfsX?. Three other frameshift variants downstream of c.5389_5392dupATCT have been reported in the Human Gene Mutation Database in association with tuberous sclerosis complex (Stenson et al., 2014), supporting the functional importance of this region of the protein. Furthermore, the c.5389_5392dupATCT variant is not observed in large population cohorts (Lek et al., 2016; 1000 Genomes Consortium et al., 2015; Exome Variant Server).

NM_000548.5(TSC2):c.5389_5392dup (p.Ser1798fs)

Gene: TSC2 (TSC complex subunit 2; plus strand). Cytogenetic location: 16p13.3.
Variant type: Duplication.
Coding change: c.5389_5392dup on transcript NM_000548.5 (MANE Select); coding-DNA positions 5389 to 5392, 4 bases duplicated (ATCT; older notation c.5389_5392dupATCT).
Protein change: p.Ser1798fs; shifts the reading frame from serine 1798.
Molecular consequence: frameshift variant.
Genome position (GRCh38, 1-based): chr16:2,088,575-2,088,578, ATCT duplicated. VCF-style (leftmost placement, unchanged base first): chr16-2088574-C-CATCT. GRCh37 (hg19) VCF-style: chr16-2138575-C-CATCT.
Other names: c.5188_5191dup, p.Ser1731fs (NM_001077183.3); c.5320_5323dup, p.Ser1775fs (NM_001114382.3); c.5080_5083dup, p.Ser1695fs (NM_001318827.2); c.5044_5047dup, p.Ser1683fs (NM_001318829.2); c.4657_4660dup, p.Ser1554fs (NM_001318831.2); c.5221_5224dup, p.Ser1742fs (NM_001318832.2); c.5191_5194dup, p.Ser1732fs (NM_001363528.2); c.5257_5260dup, p.Ser1754fs (NM_001370404.1); and 2 more; short protein forms S1554fs, S1731fs, S1798fs, S1695fs, S1732fs, S1755fs, S1775fs, S1683fs.
Identifiers: ClinVar variation 426522 (VCV000426522.2), dbSNP rs1085307666, ClinGen allele CA645294082.